The following is an entry in ClinVar:

ClinVar aggregate classification (germline): Uncertain significance. Review status: criteria provided, multiple submitters, no conflicts (2 of 4 stars). 2 submissions from 2 submitters: Uncertain significance (2). Last evaluated 2024-01-22.

Conditions:
Autosomal recessive distal spinal muscular atrophy 2. Also called: NEURONOPATHY, DISTAL HEREDITARY MOTOR, JERASH TYPE; NEUROPATHY, DISTAL HEREDITARY MOTOR, JERASH TYPE; SPINAL MUSCULAR ATROPHY, JERASH TYPE; NEUROPATHY, DISTAL HEREDITARY MOTOR, AUTOSOMAL RECESSIVE 2; Hereditary motor neuropathy, Jerash type; Motor neuropathy, distal, Jerash type. Identifiers: Orphanet 139552, MedGen C1854023, MONDO:0011585, OMIM 605726.
Amyotrophic lateral sclerosis type 16. Also called: AMYOTROPHIC LATERAL SCLEROSIS 16, JUVENILE. Identifiers: Orphanet 300605, MedGen C3280587, MONDO:0013715, OMIM 614373.

gnomAD v4.1: 5 of 1,614,114 alleles (0.00031%); highest among the groups gnomAD compares: South Asian, 0.0022%; no homozygotes.

Submissions (2):

Kariminejad - Najmabadi Pathology & Genetics Center
Classification: Uncertain significance for Autosomal recessive distal spinal muscular atrophy 2. Last evaluated: 2024-01-22. Review status: criteria provided, single submitter. Criteria: ACMG Guidelines, 2015. Collection method: clinical testing. Allele origin: germline. Inheritance: Autosomal recessive inheritance. Affected: yes.
Comment: (PM2,PP3)

Labcorp Genetics (formerly Invitae), Labcorp
Classification: Uncertain significance for Autosomal recessive distal spinal muscular atrophy 2; Amyotrophic lateral sclerosis type 16. Last evaluated: 2020-06-24. Review status: criteria provided, single submitter. Criteria: Invitae Variant Classification Sherloc (09022015). Collection method: clinical testing. Allele origin: germline.
Comment: In summary, the available evidence is currently insufficient to determine the role of this variant in disease. Therefore, it has been classified as a Variant of Uncertain Significance. Algorithms developed to predict the effect of missense changes on protein structure and function are either unavailable or do not agree on the potential impact of this missense change (SIFT: "Tolerated"; PolyPhen-2: "Probably Damaging"; Align-GVGD: "Class C0"). This variant has not been reported in the literature in individuals with SIGMAR1-related conditions. This variant is not present in population databases (ExAC no frequency). This sequence change replaces alanine with proline at codon 185 of the SIGMAR1 protein (p.Ala185Pro). The alanine residue is highly conserved and there is a small physicochemical difference between alanine and proline.

NM_005866.4(SIGMAR1):c.553G>C (p.Ala185Pro)

Gene: SIGMAR1 (sigma receptor chaperone 1; minus strand). Cytogenetic location: 9p13.3.
Variant type: single nucleotide variant.
Coding change: c.553G>C on transcript NM_005866.4 (MANE Select); coding-DNA position 553, G replaced by C.
Protein change: p.Ala185Pro; replaces alanine 185 with proline.
Molecular consequence: missense variant. On other transcripts: 3 prime UTR variant (2), non-coding transcript variant (1), intron variant (1).
Genome position (GRCh38, 1-based): chr9:34,635,751, C>G on the plus strand (G>C on the coding strand, the complement: SIGMAR1 is on the minus strand). VCF-style: chr9-34635751-C-G. GRCh37 (hg19) VCF-style: chr9-34635748-C-G.
Other names: c.253G>C, p.Ala85Pro (NM_001282206.2); c.493G>C, p.Ala165Pro (NM_001282207.2); c.*96G>C (NM_001282208.2); c.*80G>C (NM_001282209.2); c.460G>C, p.Ala154Pro (NM_147157.3); c.446-111G>C (NM_001282205.2); short protein forms A154P, A165P, A185P, A85P.
Identifiers: ClinVar variation 1017093 (VCV001017093.10), dbSNP rs777650644, ClinGen allele CA192661158.
Genomic context (GRCh38, chr9:34,635,751, plus strand): 5'-AGCGAAGAGTATAGAAGAGGGTGAGGAAGTCCTGGGTGCTGAAGACAGTGTCGGCCAGCG[C>G]GAAGGCCAGGGTGGATGGGATGACGCCCCGGCCGTACTCCACCATCCATGTGTTTGGCCC-3'
Protein context (NP_005857.1, residues 175-195): RGVIPSTLAF[Ala185Pro]LADTVFSTQD